The following is an entry in ClinVar:

ClinVar aggregate classification (germline): Uncertain significance (1 of 4 stars; one submission).

Conditions:
Klippel-Feil syndrome 1, autosomal dominant (KFS1). Also called: CERVICAL VERTEBRAL FUSION, AUTOSOMAL DOMINANT. Identifiers: Orphanet 2345, MedGen C1861689, MONDO:0007306, OMIM 118100.
Leber congenital amaurosis 17 (LCA17). Identifiers: Orphanet 65, MedGen C3715164, MONDO:0014145, OMIM 615360.
Microphthalmia, isolated, with coloboma 6 (MCOPCB6). Also called: Microphthalmia with coloboma 6, digenic; Microphthalmia with coloboma 6; MICROPHTHALMIA/COLOBOMA 6. Identifiers: Orphanet 98938, MedGen C3150968, MONDO:0013376, OMIM 613703.
Isolated microphthalmia 4. Identifiers: Orphanet 2542, MedGen C2751307, MONDO:0013130, OMIM 613094.

Allele frequency attached by ClinVar (database versions not stated): gnomAD exomes below 0.00001 and 0.00001; ExAC 0.00001; gnomAD 0.00003; TOPMed 0.00004; ESP Exome Variant Server 0.00010.

Submission:

Labcorp Genetics (formerly Invitae), Labcorp
Classification: Uncertain significance for Isolated microphthalmia 4; Leber congenital amaurosis 17; Klippel-Feil syndrome 1, autosomal dominant; Microphthalmia, isolated, with coloboma 6. Last evaluated: 2024-12-12. Review status: criteria provided, single submitter. Criteria: Invitae Variant Classification Sherloc (09022015). Collection method: clinical testing. Allele origin: germline.
Comment: This sequence change replaces histidine, which is basic and polar, with aspartic acid, which is acidic and polar, at codon 140 of the GDF6 protein (p.His140Asp). This variant is present in population databases (rs370351474, gnomAD 0.01%). This variant has not been reported in the literature in individuals affected with GDF6-related conditions. ClinVar contains an entry for this variant (Variation ID: 1448288). Invitae Evidence Modeling of protein sequence and biophysical properties (such as structural, functional, and spatial information, amino acid conservation, physicochemical variation, residue mobility, and thermodynamic stability) indicates that this missense variant is not expected to disrupt GDF6 protein function with a negative predictive value of 80%. In summary, the available evidence is currently insufficient to determine the role of this variant in disease. Therefore, it has been classified as a Variant of Uncertain Significance.

NM_001001557.4(GDF6):c.418C>G (p.His140Asp)

Gene: GDF6 (growth differentiation factor 6; minus strand). Cytogenetic location: 8q22.1.
Variant type: single nucleotide variant.
Coding change: c.418C>G on transcript NM_001001557.4 (MANE Select); coding-DNA position 418, C replaced by G.
Protein change: p.His140Asp; replaces histidine 140 with aspartic acid.
Molecular consequence: missense variant.
Genome position (GRCh38, 1-based): chr8:96,145,513, G>C on the plus strand (C>G on the coding strand, the complement: GDF6 is on the minus strand). VCF-style: chr8-96145513-G-C. GRCh37 (hg19) VCF-style: chr8-97157741-G-C.
Other names: short protein forms H140D.
Identifiers: ClinVar variation 1448288 (VCV001448288.8), dbSNP rs370351474, ClinGen allele CA4815461.